The following is an entry in ClinVar:

ClinVar aggregate classification (germline): Likely pathogenic (1 of 4 stars; one submission).

gnomAD v4.1: 1 of 1,613,974 alleles (0.000062%); highest among the groups gnomAD compares: Non-Finnish European, 0.000085%; no homozygotes.

Submission:

GeneDx
Classification: Likely pathogenic. Last evaluated: 2025-06-06. Review status: criteria provided, single submitter. Criteria: GeneDx Variant Classification Process June 2021. Collection method: clinical testing. Allele origin: germline. Affected: yes.
Comment: Not observed at significant frequency in large population cohorts (gnomAD); In silico analysis supports that this missense variant has a deleterious effect on protein structure/function; This variant is associated with the following publications: (PMID: 23665564, 25926814, 31562829, 34566892)

NM_000352.6(ABCC8):c.4516G>C (p.Glu1506Gln)

Gene: ABCC8 (ATP binding cassette subfamily C member 8; minus strand). Cytogenetic location: 11p15.1.
Variant type: single nucleotide variant.
Coding change: c.4516G>C on transcript NM_000352.6 (MANE Select); coding-DNA position 4516, G replaced by C.
Protein change: p.Glu1506Gln; replaces glutamic acid 1506 with glutamine.
Molecular consequence: missense variant. On other transcripts: non-coding transcript variant (1).
Genome position (GRCh38, 1-based): chr11:17,394,295, C>G on the plus strand (G>C on the coding strand, the complement: ABCC8 is on the minus strand). VCF-style: chr11-17394295-C-G. GRCh37 (hg19) VCF-style: chr11-17415842-C-G.
Other names: c.4519G>C, p.Glu1507Gln (NM_001287174.3); c.4582G>C, p.Glu1528Gln (NM_001351295.2); c.4516G>C, p.Glu1506Gln (NM_001351296.2); c.4513G>C, p.Glu1505Gln (NM_001351297.2); short protein forms E1505Q, E1506Q, E1507Q, E1528Q.
Identifiers: ClinVar variation 4537897 (VCV004537897.1).